The following is an entry in ClinVar:

ClinVar aggregate classification (germline): Uncertain significance (1 of 4 stars; one submission).

Submission:

Women's Health and Genetics/Laboratory Corporation of America, LabCorp
Classification: Uncertain significance. Last evaluated: 2024-04-30. Review status: criteria provided, single submitter. Criteria: LabCorp Variant Classification Summary - May 2015. Collection method: clinical testing. Allele origin: germline.
Comment: Variant summary: The variant involves the duplication of exon 9 in the DIS3L2 gene. A presumed nomenclature of c.(950+1_951-1)_(1124+1_1125-1)dup has been designated for the purposes of this classification. It is assumed to be a tandem duplication in direct orientation (PMIDs: 25640679, 30054569). This Copy Number Variant (CNV) is predicted to result in an in-frame duplication within this gene. The variant allele was found at a frequency of 0.00015 in 120778 control chromosomes in the gnomAD database (Structural Variants v4.0 dataset), including 1 homozygote. To our knowledge, no occurrence of c.(950+1_951-1)_(1124+1_1125-1)dup in individuals affected with Perlman Syndrome and no experimental evidence demonstrating its impact on protein function have been reported. A recent report analyzing UK Biobank participants found that the duplication spanning DIS3L2 exon 9 was associated with an increase in height of 0.85 SD, however the molecular mechanism of this finding remained unclear (Hujoel_2022). The following publication has been ascertained in the context of this evaluation (PMID: 36306736). ClinVar contains an entry for this variant (Variation ID: 584340). Based on the evidence outlined above, the variant was classified as uncertain significance.

Literature cited by the submitters: PubMed 36306736.

NC_000002.11:g.(233001430_233028168)_(233028343_233075035)dup

Gene: DIS3L2 (DIS3 like 3'-5' exoribonuclease 2; plus strand). Cytogenetic location: 2q37.1.
Variant type: Duplication.
Identifiers: ClinVar variation 3251854 (VCV003251854.1).